The following is an entry in ClinVar:

NM_001875.5(CPS1):c.1846A>G (p.Met616Val)

Gene: CPS1 (carbamoyl-phosphate synthase 1; plus strand). Cytogenetic location: 2q34.
Variant type: single nucleotide variant.
Coding change: c.1846A>G on transcript NM_001875.5 (MANE Select); coding-DNA position 1846, A replaced by G.
Protein change: p.Met616Val; replaces methionine 616 with valine.
Molecular consequence: missense variant. On other transcripts: non-coding transcript variant (2).
Genome position (GRCh38, 1-based): chr2:210,605,111, A>G. VCF-style: chr2-210605111-A-G. GRCh37 (hg19) VCF-style: chr2-211469835-A-G.
Other names: c.1846A>G, p.Met616Val (NM_001122633.3, NM_001369257.1); c.1879A>G, p.Met627Val (NM_001369256.1); short protein forms M616V, M627V.
Identifiers: ClinVar variation 1944946 (VCV001944946.4), dbSNP rs769283223, ClinGen allele CA2086488.

ClinVar aggregate classification (germline): Uncertain significance (1 of 4 stars; one submission).

Conditions:
Congenital hyperammonemia, type I. Also called: Carbamoyl-phosphate synthase I deficiency; CPS I DEFICIENCY; Carbamoyl phosphate synthetase I deficiency disease; Carbamoyl phosphate synthetase 1 deficiency; Hyperammonemia due to carbamoyl phosphate synthetase 1 deficiency; CPS 1 deficiency. Identifiers: Orphanet 147, MedGen C4082171, MONDO:0009376, OMIM 237300.

Allele frequency attached by ClinVar (database versions not stated): gnomAD exomes below 0.00001; ExAC 0.00001; TOPMed 0.00001.
gnomAD v4.1: 2 of 1,611,902 alleles (0.00012%); highest among the groups gnomAD compares: Admixed American, 0.0033%; no homozygotes.

Submission:

Labcorp Genetics (formerly Invitae), Labcorp
Classification: Uncertain significance for Congenital hyperammonemia, type I. Last evaluated: 2022-08-19. Review status: criteria provided, single submitter. Criteria: Invitae Variant Classification Sherloc (09022015). Collection method: clinical testing. Allele origin: germline.
Comment: This variant has not been reported in the literature in individuals affected with CPS1-related conditions. This variant is present in population databases (rs769283223, gnomAD 0.006%). This sequence change replaces methionine, which is neutral and non-polar, with valine, which is neutral and non-polar, at codon 616 of the CPS1 protein (p.Met616Val). Algorithms developed to predict the effect of missense changes on protein structure and function (SIFT, PolyPhen-2, Align-GVGD) all suggest that this variant is likely to be tolerated. In summary, the available evidence is currently insufficient to determine the role of this variant in disease. Therefore, it has been classified as a Variant of Uncertain Significance.